The following is an entry in ClinVar:

ClinVar aggregate classification (germline): Uncertain significance (1 of 4 stars; one submission).

Allele frequency attached by ClinVar (database versions not stated): gnomAD exomes below 0.00001.
gnomAD v4.1: 6 of 1,612,780 alleles (0.00037%); highest among the groups gnomAD compares: East Asian, 0.0022%; no homozygotes.

Submission:

Women's Health and Genetics/Laboratory Corporation of America, LabCorp
Classification: Uncertain significance. Last evaluated: 2023-08-11. Review status: criteria provided, single submitter. Criteria: LabCorp Variant Classification Summary - May 2015. Collection method: clinical testing. Allele origin: germline.
Comment: Variant summary: KCNT2 c.944T>C (p.Met315Thr) results in a non-conservative amino acid change in the encoded protein sequence. Three of five in-silico tools predict a damaging effect of the variant on protein function. The variant was absent in 250042 control chromosomes. The available data on variant occurrences in the general population are insufficient to allow any conclusion about variant significance. To our knowledge, no occurrence of c.944T>C in individuals affected with Developmental And Epileptic Encephalopathy, 57 and no experimental evidence demonstrating its impact on protein function have been reported. No submitters have cited clinical-significance assessments for this variant to ClinVar after 2014. Based on the evidence outlined above, the variant was classified as uncertain significance.

NM_198503.5(KCNT2):c.944T>C (p.Met315Thr)

Gene: KCNT2 (potassium sodium-activated channel subfamily T member 2; minus strand). Cytogenetic location: 1q31.3.
Variant type: single nucleotide variant.
Coding change: c.944T>C on transcript NM_198503.5 (MANE Select); coding-DNA position 944, T replaced by C.
Protein change: p.Met315Thr; replaces methionine 315 with threonine.
Molecular consequence: missense variant. On other transcripts: non-coding transcript variant (2).
Genome position (GRCh38, 1-based): chr1:196,428,145, A>G on the plus strand (T>C on the coding strand, the complement: KCNT2 is on the minus strand). VCF-style: chr1-196428145-A-G. GRCh37 (hg19) VCF-style: chr1-196397275-A-G.
Other names: c.944T>C, p.Met315Thr (NM_001287819.3, NM_001287820.3); short protein forms M315T.
Identifiers: ClinVar variation 2581677 (VCV002581677.1), dbSNP rs2528152453, ClinGen allele CA344080542.
Genomic context (GRCh38, chr1:196,428,145, plus strand): 5'-ATAATATAAGCCAAATGTACCTGGAGCCTAGGATGAGCATAGAATTCATTTAAAAAATCC[A>G]TAAGTAAATCAATCTTCAGTGAGCTGACACACAGGACGACATGCTTTTCAGTTTGAGCTC-3'
Protein context (NP_940905.2, residues 305-325): CVSSLKIDLL[Met315Thr]DFLNEFYAHP